The following is an entry in ClinVar:

NM_207361.6(FREM2):c.9415G>A (p.Glu3139Lys)

Gene: FREM2 (FRAS1 related extracellular matrix 2; plus strand). Cytogenetic location: 13q13.3.
Variant type: single nucleotide variant.
Coding change: c.9415G>A on transcript NM_207361.6 (MANE Select); coding-DNA position 9415, G replaced by A.
Protein change: p.Glu3139Lys; replaces glutamic acid 3139 with lysine.
Molecular consequence: missense variant.
Genome position (GRCh38, 1-based): chr13:38,880,692, G>A. VCF-style: chr13-38880692-G-A. GRCh37 (hg19) VCF-style: chr13-39454829-G-A.
Other names: c.9415G>A (NM_207361.4); short protein forms E3139K.
Identifiers: ClinVar variation 1932154 (VCV001932154.3), dbSNP rs746196338, ClinGen allele CA6956376.
Genomic context (GRCh38, chr13:38,880,692, plus strand): 5'-ACGGTAGGGTTACTCACCATCTGCCTCACTGTCATTGCAGTGCTGATGTGCAGGGGCAAG[G>A]AAAGTTTCAGGGGGAAGGATGCCCCGAAAGGCTCCAGCAGCAGTGAGCCCATGGTGCCCC-3'
Protein context (NP_997244.4, residues 3129-3149): VIAVLMCRGK[Glu3139Lys]SFRGKDAPKG

ClinVar aggregate classification (germline): Conflicting classifications of pathogenicity. Review status: criteria provided, conflicting classifications (1 of 4 stars). 2 submissions from 2 submitters: Uncertain significance (1); Likely benign (1). Last evaluated 2024-01-03.

Conditions:
Inborn genetic diseases. Identifiers: MedGen C0950123, MeSH D030342.

Allele frequency attached by ClinVar (database versions not stated): ExAC 0.00001; gnomAD exomes 0.00003.
gnomAD v4.1: 48 of 1,614,204 alleles (0.003%); highest among the groups gnomAD compares: Non-Finnish European, 0.0041%; no homozygotes.

Submissions (2):

Ambry Genetics
Classification: Likely benign for Inborn genetic diseases. Last evaluated: 2024-01-03. Review status: criteria provided, single submitter. Criteria: Ambry Variant Classification Scheme 2023. Collection method: clinical testing. Allele origin: germline.

Labcorp Genetics (formerly Invitae), Labcorp
Classification: Uncertain significance. Last evaluated: 2022-08-09. Review status: criteria provided, single submitter. Criteria: Invitae Variant Classification Sherloc (09022015). Collection method: clinical testing. Allele origin: germline.
Comment: This sequence change replaces glutamic acid, which is acidic and polar, with lysine, which is basic and polar, at codon 3139 of the FREM2 protein (p.Glu3139Lys). This variant is present in population databases (rs746196338, gnomAD 0.003%). This variant has not been reported in the literature in individuals affected with FREM2-related conditions. Algorithms developed to predict the effect of missense changes on protein structure and function output the following: SIFT: "Tolerated"; PolyPhen-2: "Benign"; Align-GVGD: "Class C0". The lysine amino acid residue is found in multiple mammalian species, which suggests that this missense change does not adversely affect protein function. In summary, the available evidence is currently insufficient to determine the role of this variant in disease. Therefore, it has been classified as a Variant of Uncertain Significance.